The following is an entry in ClinVar:

ClinVar aggregate classification (germline): Conflicting classifications of pathogenicity. Review status: criteria provided, conflicting classifications (1 of 4 stars). 9 submissions from 9 submitters: Uncertain significance (7); Likely benign (1). 1 of the submissions does not count toward it. Last evaluated 2025-05-30.

Conditions:
BRCA2-related cancer predisposition. Identifiers: MedGen CN377758, MONDO:0700269.
Hereditary cancer-predisposing syndrome. Also called: Hereditary Cancer Syndrome; Neoplastic Syndromes, Hereditary; Hereditary neoplastic syndrome; Tumor predisposition. Identifiers: Orphanet 140162, MedGen C0027672, MeSH D009386, MONDO:0015356.
Hereditary breast ovarian cancer syndrome. Also called: Breast and ovarian cancer; Hereditary breast and/or ovarian cancer syndrome; Hereditary breast and ovarian cancer; Hereditary breast and ovarian cancer syndrome; Hereditary breast and ovarian cancer syndrome (HBOC); BRCA1- and BRCA2-Associated Hereditary Breast and Ovarian Cancer. Identifiers: Orphanet 145, MedGen C0677776, MeSH D061325, MONDO:0003582. Disease mechanism: loss of function.
Breast-ovarian cancer, familial, susceptibility to, 2 (BROVCA2). Also called: BRCA2 Hereditary Breast and Ovarian Cancer. Identifiers: Orphanet 145, MedGen C2675520, MONDO:0012933, OMIM 612555. Disease mechanism: loss of function.

Allele frequency attached by ClinVar (database versions not stated): gnomAD exomes below 0.00001; TOPMed below 0.00001; gnomAD 0.00001.
gnomAD v4.1: 4 of 1,604,012 alleles (0.00025%); highest among the groups gnomAD compares: Non-Finnish European, 0.00034%; no homozygotes.

Submissions (9):

Women's Health and Genetics/Laboratory Corporation of America, LabCorp
Classification: Uncertain significance. Last evaluated: 2025-05-30. Review status: criteria provided, single submitter. Criteria: LabCorp Variant Classification Summary - May 2015. Collection method: clinical testing. Allele origin: germline.
Comment: Variant summary: BRCA2 c.4159T>A (p.Leu1387Ile) results in a conservative amino acid change in the encoded protein sequence. Algorithms developed to predict the effect of missense changes on protein structure and function all suggest that this variant is likely to be tolerated. The variant allele was found at a frequency of 4.2e-06 in 238866 control chromosomes. The available data on variant occurrences in the general population are insufficient to allow any conclusion about variant significance. To our knowledge, no occurrence of c.4159T>A in individuals affected with Hereditary Breast And Ovarian Cancer Syndrome and no experimental evidence demonstrating its impact on protein function have been reported. ClinVar contains an entry for this variant (Variation ID: 96804). Based on the evidence outlined above, the variant was classified as uncertain significance.

Labcorp Genetics (formerly Invitae), Labcorp
Classification: Uncertain significance for Hereditary breast ovarian cancer syndrome. Last evaluated: 2025-03-23. Review status: criteria provided, single submitter. Criteria: Invitae Variant Classification Sherloc (09022015). Collection method: clinical testing. Allele origin: germline.
Comment: This sequence change replaces leucine, which is neutral and non-polar, with isoleucine, which is neutral and non-polar, at codon 1387 of the BRCA2 protein (p.Leu1387Ile). This variant is present in population databases (rs431825317, gnomAD 0.0009%). This variant has not been reported in the literature in individuals affected with BRCA2-related conditions. ClinVar contains an entry for this variant (Variation ID: 96804). Invitae Evidence Modeling of protein sequence and biophysical properties (such as structural, functional, and spatial information, amino acid conservation, physicochemical variation, residue mobility, and thermodynamic stability) indicates that this missense variant is not expected to disrupt BRCA2 protein function with a negative predictive value of 95%. In summary, the available evidence is currently insufficient to determine the role of this variant in disease. Therefore, it has been classified as a Variant of Uncertain Significance.

Institute for Biomarker Research, Medical Diagnostic Laboratories, L.L.C.
Classification: Uncertain significance for Hereditary breast ovarian cancer syndrome. Last evaluated: 2025-01-30. Review status: criteria provided, single submitter. Criteria: ACMG Guidelines, 2015. Collection method: clinical testing. Allele origin: germline.
Comment: The missense variant NM_000059.4(BRCA2):c.4159T>A (p.Leu1387Ile) has not been reported previously as a pathogenic variant to our knowledge. There is a small physicochemical difference between leucine and isoleucine, which is not likely to impact secondary protein structure as these residues share similar properties. The gene BRCA2 has a low rate of benign missense variation as indicated by a high missense variants Z-Score of 1.00. The gene BRCA2 contains 150 pathogenic missense variants, indicating that missense variants are a common mechanism of disease in this gene. For these reasons, this variant has been classified as Uncertain Significance.

Ambry Genetics
Classification: Uncertain significance for Hereditary cancer-predisposing syndrome. Last evaluated: 2024-11-11. Review status: criteria provided, single submitter. Criteria: Ambry Variant Classification Scheme 2023. Collection method: clinical testing. Allele origin: germline.
Comment: The p.L1387I variant (also known as c.4159T>A), located in coding exon 10 of the BRCA2 gene, results from a T to A substitution at nucleotide position 4159. The leucine at codon 1387 is replaced by isoleucine, an amino acid with highly similar properties. This variant was identified in 1 of 860 individuals with a personal history of breast cancer (Stella S et al. Genes (Basel), 2024 Jul;15:). This amino acid position is well conserved in available vertebrate species. In addition, this alteration is predicted to be tolerated by in silico analysis. Based on the available evidence, the clinical significance of this variant remains unclear.

All of Us Research Program, National Institutes of Health
Classification: Uncertain significance for BRCA2-related cancer predisposition. Last evaluated: 2024-05-09. Review status: criteria provided, single submitter. Criteria: ACMG Guidelines, 2015. Collection method: clinical testing. Allele origin: germline. Inheritance: Autosomal dominant inheritance. Observed: 2 variant alleles, 2 heterozygotes.
Comment: This missense variant replaces leucine with isoleucine at codon 1387 of the BRCA2 protein. Computational prediction suggests that this variant may not impact protein structure and function (internally defined REVEL score threshold <= 0.5, PMID: 27666373). Splice site prediction tools suggest that this variant may not impact RNA splicing. A multi-factorial analysis classifies this variant as likely benign (PMID: 31131967). This variant has not been reported in individuals affected with hereditary cancer in the literature. This variant has been identified in 1/238866 chromosomes in the general population by the Genome Aggregation Database (gnomAD). The available evidence is insufficient to determine the role of this variant in disease conclusively. Therefore, this variant is classified as a Variant of Uncertain Significance.

This study involves interpretation of variants in research participants for the purpose of population health screening. Participant phenotype was not available at the time of variant classification. Additional details can be found in publication PMID: 35346344, PMCID: PMC8962531

Color Diagnostics, LLC DBA Color Health
Classification: Uncertain significance for Hereditary cancer-predisposing syndrome. Last evaluated: 2024-01-17. Review status: criteria provided, single submitter. Criteria: ACMG Guidelines, 2015. Collection method: clinical testing. Allele origin: germline.
Comment: This missense variant replaces leucine with isoleucine at codon 1387 of the BRCA2 protein. Computational prediction suggests that this variant may not impact protein structure and function (internally defined REVEL score threshold <= 0.5, PMID: 27666373). A multi-factorial analysis classifies this variant as likely benign (PMID: 31131967). This variant has been reported in an individual affected with breast cancer (PMID: 33471991; Leiden Open Variation Database DB-ID BRCA2_008160). This variant has been identified in 1/238866 chromosomes in the general population by the Genome Aggregation Database (gnomAD). The available evidence is insufficient to determine the role of this variant in disease conclusively. Therefore, this variant is classified as a Variant of Uncertain Significance.

Quest Diagnostics Nichols Institute San Juan Capistrano
Classification: Uncertain significance. Last evaluated: 2023-10-26. Review status: criteria provided, single submitter. Criteria: Quest Diagnostics criteria. Collection method: clinical testing. Allele origin: unknown.
Comment: The BRCA2 c.4159T>A (p.Leu1387Ile) variant has been reported in a large case-control study, this variant has been reported in at least one individual with breast cancer and none of the unaffected controls (PMID: 33471991 (2021), see also LOVD). It has also been observed in an individual undergoing multigene panel testing due to personal or family history of cancer (PMID: 31853058 (2020)). A multifactorial analysis study has characterized the variant as being likely benign (PMID: 31131967 (2019)). In addition, the variant has also been described to be located in a region of the BRCA2 gene that is tolerant to missense sequence changes (PMID: 31911673 (2020)). The frequency of this variant in the general population, 0.0000042 (1/238866 chromosomes (Genome Aggregation Database)), is uninformative in the assessment of its pathogenicity. Analysis of this variant using bioinformatics tools for the prediction of the effect of amino acid changes on protein structure and function yielded conflicting predictions that this variant is benign or damaging. Based on the available information, we are unable to determine the clinical significance of this variant.

University of Washington Department of Laboratory Medicine, University of Washington
Classification: Likely benign for Hereditary cancer-predisposing syndrome. Last evaluated: 2023-03-23. Review status: criteria provided, single submitter. Criteria: Dines et al. (Genet Med. 2020). Collection method: curation. Allele origin: germline.
Comment: Missense variant in a coldspot region where missense variants are very unlikely to be pathogenic (PMID:31911673).

BRCA2 exon 11 coldspot. Reclassification based on statistical prior probability.

Sharing Clinical Reports Project (SCRP)
Classification: Uncertain significance for Breast-ovarian cancer, familial 2. Last evaluated: 2012-05-01. Review status: no assertion criteria provided. Collection method: clinical testing. Allele origin: germline. Not counted in ClinVar's aggregate classification.

Literature cited by the submitters: PubMed 39062721 (cited by Ambry Genetics); PubMed 31131967 (cited by 3 submitters); PubMed 33471991 (cited by Color Diagnostics, LLC DBA Color Health and Quest Diagnostics Nichols Institute San Juan Capistrano); PubMed 31911673 (cited by Quest Diagnostics Nichols Institute San Juan Capistrano); PubMed 31853058 (cited by Quest Diagnostics Nichols Institute San Juan Capistrano).

NM_000059.4(BRCA2):c.4159T>A (p.Leu1387Ile)

Gene: BRCA2 (BRCA2 DNA repair associated; plus strand). Cytogenetic location: 13q13.1.
Variant type: single nucleotide variant.
Coding change: c.4159T>A on transcript NM_000059.4 (MANE Select); coding-DNA position 4159, T replaced by A.
Protein change: p.Leu1387Ile; replaces leucine 1387 with isoleucine.
Molecular consequence: missense variant.
Genome position (GRCh38, 1-based): chr13:32,338,514, T>A. VCF-style: chr13-32338514-T-A. GRCh37 (hg19) VCF-style: chr13-32912651-T-A.
Other names: 4387T>A; short protein forms L1387I.
Identifiers: ClinVar variation 96804 (VCV000096804.29), dbSNP rs431825317, ClinGen allele CA019635.